The following is an entry in ClinVar:

ClinVar aggregate classification (germline): Pathogenic (1 of 4 stars; one submission).

Submission:

Labcorp Genetics (formerly Invitae), Labcorp
Classification: Pathogenic. Last evaluated: 2024-01-11. Review status: criteria provided, single submitter. Criteria: Invitae Variant Classification Sherloc (09022015). Collection method: clinical testing. Allele origin: germline.
Comment: This sequence change creates a premature translational stop signal (p.Cys1817Serfs*5) in the ABCA12 gene. It is expected to result in an absent or disrupted protein product. Loss-of-function variants in ABCA12 are known to be pathogenic (PMID: 20672373). This variant is not present in population databases (gnomAD no frequency). This variant has not been reported in the literature in individuals affected with ABCA12-related conditions. For these reasons, this variant has been classified as Pathogenic.

Literature cited by the submitters: PubMed 20672373.

NM_173076.3(ABCA12):c.5450_5451del (p.Cys1817fs)

Gene: ABCA12 (ATP binding cassette subfamily A member 12; minus strand). Cytogenetic location: 2q35.
Variant type: Microsatellite.
Coding change: c.5450_5451del on transcript NM_173076.3 (MANE Select); coding-DNA positions 5450 to 5451, 2 bases deleted (GT; older notation c.5450_5451delGT).
Protein change: p.Cys1817fs; shifts the reading frame from cysteine 1817.
Molecular consequence: frameshift variant. On other transcripts: non-coding transcript variant (1).
Genome position (GRCh38, 1-based): chr2:214,974,795-214,974,796, AC deleted on the plus strand (GT on the coding strand, the reverse complement: ABCA12 is on the minus strand); deleting any 2 consecutive bases within chr2:214,974,795-214,974,799 gives the same sequence; the c. name uses the placement nearest the transcript's 3' end. VCF-style (leftmost placement, unchanged base first): chr2-214974794-GAC-G. GRCh37 (hg19) VCF-style: chr2-215839518-GAC-G.
Other names: c.4496_4497del, p.Cys1499fs (NM_015657.4); short protein forms C1499fs, C1817fs.
Identifiers: ClinVar variation 2752581 (VCV002752581.3), dbSNP rs2469212363, ClinGen allele CA2697550428.